The following is an entry in ClinVar:

NM_145046.5(CALR3):c.918+14_918+30del

Gene: CALR3 (calreticulin 3; minus strand). Cytogenetic location: 19p13.11.
Variant type: Deletion.
Coding change: c.918+14_918+30del on transcript NM_145046.5 (MANE Select); bases 14 to 30 of the intron after coding-DNA position 918, 17 bases deleted (AACTTTACTTTAGATTT).
Molecular consequence: intron variant.
Genome position (GRCh38, 1-based): chr19:16,482,420-16,482,436, AAATCTAAAGTAAAGTT deleted on the plus strand (AACTTTACTTTAGATTT on the coding strand, the reverse complement: CALR3 is on the minus strand); deleting any 17 consecutive bases within chr19:16,482,420-16,482,439 gives the same sequence; the c. name uses the placement nearest the transcript's 3' end. VCF-style (leftmost placement, unchanged base first): chr19-16482419-AAAATCTAAAGTAAAGTT-A. GRCh37 (hg19) VCF-style: chr19-16593230-AAAATCTAAAGTAAAGTT-A.
Identifiers: ClinVar variation 4726280 (VCV004726280.1).

ClinVar aggregate classification (germline): Uncertain significance (1 of 4 stars; one submission).

Conditions:
Hypertrophic cardiomyopathy 19. Also called: Familial hypertrophic cardiomyopathy 19. Identifiers: MedGen CN077603, MONDO:0013476.

Submission:

Labcorp Genetics (formerly Invitae), Labcorp
Classification: Uncertain significance for Hypertrophic cardiomyopathy 19. Last evaluated: 2025-09-03. Review status: criteria provided, single submitter. Criteria: Invitae Variant Classification Sherloc (09022015). Collection method: clinical testing. Allele origin: germline.
Comment: This sequence change falls in intron 7 of the CALR3 gene. It does not directly change the encoded amino acid sequence of the CALR3 protein. This variant is not present in population databases (gnomAD no frequency). This variant has not been reported in the literature in individuals affected with CALR3-related conditions. Experimental studies and prediction algorithms are not available or were not evaluated, and the effect of this variant on mRNA splicing is currently unknown. In summary, the available evidence is currently insufficient to determine the role of this variant in disease. Therefore, it has been classified as a Variant of Uncertain Significance.